The following is an entry in ClinVar:

NM_000535.7(PMS2):c.740_741insG (p.Pro247_Ser248insTer)

Gene: PMS2 (PMS1 homolog 2, mismatch repair system component; minus strand). Cytogenetic location: 7p22.1.
Variant type: Insertion.
Coding change: c.740_741insG on transcript NM_000535.7 (MANE Select); coding-DNA positions 740 to 741, G inserted.
Protein change: p.Pro247_Ser248insTer.
Molecular consequence: frameshift variant. On other transcripts: 5 prime UTR variant (2), non-coding transcript variant (1), intron variant (3).
Genome position: GRCh38 VCF-style: chr7-5997388-A-AC. GRCh37 (hg19) VCF-style: chr7-6037019-A-AC.
Other names: c.335_336insG, p.Pro112_Ser113insTer (NM_001322003.2, NM_001322004.2, NM_001322005.2 and 19 more transcripts); c.740_741insG, p.Pro247_Ser248insTer (NM_001322006.2, NM_001322014.2, NM_001406870.1 and 3 more transcripts); c.422_423insG, p.Pro141_Ser142insTer (NM_001322007.2, NM_001322008.2, NM_001406901.1 and 4 more transcripts); c.-194_-193insG (NM_001322011.2, NM_001322012.2); c.167_168insG, p.Pro56_Ser57insTer (NM_001322013.2, NM_001406909.1); c.431_432insG, p.Pro144_Ser145insTer (NM_001322015.2, NM_001406900.1, NM_001406875.1 and 6 more transcripts); c.926_927insG, p.Pro309_Ser310insTer (NM_001406866.1); c.764_765insG, p.Pro255_Ser256insTer (NM_001406868.1); and 7 more.
Identifiers: ClinVar variation 5026926 (VCV005026926.1).

ClinVar aggregate classification (germline): Pathogenic (1 of 4 stars; one submission).

Conditions:
Hereditary cancer-predisposing syndrome. Also called: Neoplastic Syndromes, Hereditary; Tumor predisposition; Hereditary neoplastic syndrome; Hereditary Cancer Syndrome. Identifiers: Orphanet 140162, MedGen C0027672, MeSH D009386, MONDO:0015356.

Submission:

Ambry Genetics
Classification: Pathogenic for Hereditary cancer-predisposing syndrome. Last evaluated: 2026-07-23. Review status: criteria provided, single submitter. Criteria: Ambry Variant Classification Scheme 2023. Collection method: clinical testing. Allele origin: germline.
Comment: The c.740_741insG pathogenic mutation, located in coding exon 7 of the PMS2 gene, results from an insertion of one nucleotide at position 740, causing a translational frameshift with a predicted alternate stop codon (p.S248*). This variant is considered to be rare based on population cohorts in the Genome Aggregation Database (gnomAD). This alteration is expected to result in loss of function by premature protein truncation or nonsense-mediated mRNA decay. As such, this alteration is interpreted as a disease-causing mutation.